The following is an entry in ClinVar:

NM_001379286.1(ZNF423):c.898A>G (p.Lys300Glu)

Gene: ZNF423 (zinc finger protein 423; minus strand). Cytogenetic location: 16q12.1.
Variant type: single nucleotide variant.
Coding change: c.898A>G on transcript NM_001379286.1 (MANE Select); coding-DNA position 898, A replaced by G.
Protein change: p.Lys300Glu; replaces lysine 300 with glutamic acid.
Molecular consequence: missense variant.
Genome position (GRCh38, 1-based): chr16:49,638,278, T>C on the plus strand (A>G on the coding strand, the complement: ZNF423 is on the minus strand). VCF-style: chr16-49638278-T-C. GRCh37 (hg19) VCF-style: chr16-49672189-T-C.
Other names: c.694A>G, p.Lys232Glu (NM_001271620.2); c.523A>G, p.Lys175Glu (NM_001330533.2); c.874A>G, p.Lys292Glu (NM_015069.5); short protein forms K292E, K300E, K232E, K175E.
Identifiers: ClinVar variation 2156254 (VCV002156254.1), dbSNP rs924279203, ClinGen allele CA281213158.

ClinVar aggregate classification (germline): Uncertain significance (1 of 4 stars; one submission).

Conditions:
Nephronophthisis 14 (NPHP14). Identifiers: Orphanet 2318, MedGen C3539071, MONDO:0013916, OMIM 614844.

Allele frequency attached by ClinVar (database versions not stated): gnomAD exomes 0.00001; gnomAD 0.00002; TOPMed 0.00002.
gnomAD v4.1: 6 of 1,613,314 alleles (0.00037%); highest among the groups gnomAD compares: Admixed American, 0.0067%; no homozygotes.

Submission:

Labcorp Genetics (formerly Invitae), Labcorp
Classification: Uncertain significance for Nephronophthisis 14. Last evaluated: 2022-04-09. Review status: criteria provided, single submitter. Criteria: Invitae Variant Classification Sherloc (09022015). Collection method: clinical testing. Allele origin: germline.
Comment: This sequence change replaces lysine, which is basic and polar, with glutamic acid, which is acidic and polar, at codon 292 of the ZNF423 protein (p.Lys292Glu). This variant is present in population databases (no rsID available, gnomAD 0.006%). This variant has not been reported in the literature in individuals affected with ZNF423-related conditions. Algorithms developed to predict the effect of missense changes on protein structure and function (SIFT, PolyPhen-2, Align-GVGD) all suggest that this variant is likely to be tolerated. In summary, the available evidence is currently insufficient to determine the role of this variant in disease. Therefore, it has been classified as a Variant of Uncertain Significance.